The following is an entry in ClinVar:

ClinVar aggregate classification (germline): Benign/Likely benign. Review status: criteria provided, multiple submitters, no conflicts (2 of 4 stars). 9 submissions from 9 submitters: Benign (1); Likely benign (5). 3 of the submissions do not count toward it. Last evaluated 2026-07-01.

Conditions:
SLC12A1-related disorder. Also called: SLC12A1-related condition.
Bartter disease type 1. Also called: HYPERPROSTAGLANDIN E SYNDROME 1; HYPOKALEMIC ALKALOSIS WITH HYPERCALCIURIA 1, ANTENATAL; Bartter Syndrome type 1; Bartter syndrome, type 1, antenatal. Identifiers: Orphanet 112, Orphanet 620217, MedGen C1866495, MONDO:0100344, OMIM 601678, MONDO:0011127.

Allele frequency attached by ClinVar (database versions not stated): 1000 Genomes Project 0.00120; gnomAD exomes 0.00203 and 0.00347; ExAC 0.00208; TOPMed 0.00238; gnomAD 0.00245 and 0.00248; ESP Exome Variant Server 0.00285; 1000 Genomes Project 30x 0.00109.

Submissions (9):

CeGaT Center for Human Genetics Tuebingen
Classification: Likely benign. Last evaluated: 2026-07-01. Review status: criteria provided, single submitter. Criteria: CeGaT Center For Human Genetics Tuebingen Variant Classification Criteria Version 2. Collection method: clinical testing. Allele origin: germline. Affected: yes. Observed: 3 variant alleles.
Comment: SLC12A1: BP4, BP7

Labcorp Genetics (formerly Invitae), Labcorp
Classification: Benign. Last evaluated: 2026-02-01. Review status: criteria provided, single submitter. Criteria: Invitae Variant Classification Sherloc (09022015). Collection method: clinical testing. Allele origin: germline.

Blueprint Genetics
Classification: Likely benign. Last evaluated: 2024-11-22. Review status: criteria provided, single submitter. Criteria: ACMG Guidelines, 2015. Collection method: clinical testing. Allele origin: germline.

Mayo Clinic Laboratories, Mayo Clinic
Classification: Likely benign. Last evaluated: 2024-07-08. Review status: criteria provided, single submitter. Criteria: ACMG Guidelines, 2015. Collection method: clinical testing. Allele origin: germline. Observed: 3 variant alleles.
Comment: BS2, BP4, BP7

Fulgent Genetics
Classification: Likely benign for Bartter disease type 1. Last evaluated: 2021-08-31. Review status: criteria provided, single submitter. Criteria: ACMG Guidelines, 2015. Collection method: clinical testing. Allele origin: unknown.

Illumina Laboratory Services, Illumina
Classification: Likely benign for Bartter disease type 1. Last evaluated: 2018-01-12. Review status: criteria provided, single submitter. Criteria: ICSL Variant Classification Criteria 13 December 2019. Collection method: clinical testing. Allele origin: germline.
Comment: This variant was observed in the ICSL laboratory as part of a predisposition screen in an ostensibly healthy population. It had not been previously curated by ICSL or reported in the Human Gene Mutation Database (HGMD: prior to June 1st, 2018), and was therefore a candidate for classification through an automated scoring system. Utilizing variant allele frequency, disease prevalence and penetrance estimates, and inheritance mode, an automated score was calculated to assess if this variant is too frequent to cause the disease. Based on the score and internal cut-off values, a variant classified as likely benign is not then subjected to further curation. The score for this variant resulted in a classification of likely benign for this disease.

PreventionGenetics, part of Exact Sciences
Classification: Likely benign for SLC12A1-related condition. Last evaluated: 2019-06-20. Review status: no assertion criteria provided. Collection method: clinical testing. Allele origin: germline. Not counted in ClinVar's aggregate classification.
Comment: This variant is classified as likely benign based on ACMG/AMP sequence variant interpretation guidelines (Richards et al. 2015 PMID: 25741868, with internal and published modifications).

Clinical Genetics DNA and cytogenetics Diagnostics Lab, Erasmus MC, Erasmus Medical Center
Classification: Likely benign. Review status: no assertion criteria provided. Collection method: clinical testing. Allele origin: germline. Affected: yes. Study: VKGL Data-share Consensus. Not counted in ClinVar's aggregate classification.

Genome Diagnostics Laboratory, University Medical Center Utrecht
Classification: Likely benign. Review status: no assertion criteria provided. Collection method: clinical testing. Allele origin: germline. Affected: yes. Study: VKGL Data-share Consensus. Not counted in ClinVar's aggregate classification.

NM_000338.3(SLC12A1):c.2067G>A (p.Gly689=)

Gene: SLC12A1 (solute carrier family 12 member 1; plus strand). Cytogenetic location: 15q21.1.
Variant type: single nucleotide variant.
Coding change: c.2067G>A on transcript NM_000338.3 (MANE Select); coding-DNA position 2067, G replaced by A.
Protein change: p.Gly689=; no amino-acid change (glycine 689 retained).
Molecular consequence: synonymous variant.
Genome position (GRCh38, 1-based): chr15:48,259,224, G>A. VCF-style: chr15-48259224-G-A. GRCh37 (hg19) VCF-style: chr15-48551421-G-A.
Other names: p.Gly689=; c.2067G>A, p.Gly689= (NM_001184832.2).
Identifiers: ClinVar variation 778098 (VCV000778098.37), dbSNP rs35783293, ClinGen allele CA7547280.